The following is an entry in ClinVar:

ClinVar aggregate classification (germline): Likely benign (0 of 4 stars; one submission).

Conditions:
GNAS-related disorder. Identifiers: MedGen CN380105.

gnomAD v4.1: 1 of 1,117,266 alleles (0.00009%); highest among the groups gnomAD compares: Non-Finnish European, 0.00011%; no homozygotes.

Submission:

PreventionGenetics, part of Exact Sciences
Classification: Likely benign for GNAS-related condition. Last evaluated: 2023-02-26. Review status: no assertion criteria provided. Collection method: clinical testing. Allele origin: germline.
Comment: This variant is classified as likely benign based on ACMG/AMP sequence variant interpretation guidelines (Richards et al. 2015 PMID: 25741868, with internal and published modifications).

NM_000516.7(GNAS):c.-5C>T

Gene: GNAS (GNAS complex locus; plus strand). Cytogenetic location: 20q13.32.
Variant type: single nucleotide variant.
Coding change: c.-5C>T on transcript NM_000516.7 (MANE Select); 5 bases upstream of the start codon, C replaced by T.
Molecular consequence: 5 prime UTR variant. On other transcripts: intron variant (8).
Genome position (GRCh38, 1-based): chr20:58,891,722, C>T. VCF-style: chr20-58891722-C-T. GRCh37 (hg19) VCF-style: chr20-57466777-C-T.
Other names: c.-39+2369C>T (NM_001309840.2); c.-5C>T (NM_001077488.5, NM_001077489.4, NM_001309842.2 and 1 more transcripts); c.*43-3890C>T (NM_016592.5); c.44-3890C>T (NM_001410912.1); c.-38-3890C>T (NM_001309861.2); c.*1-3890C>T (NM_001077490.3); c.2069-3890C>T (NM_080425.4, NM_001410913.1); c.*159-3890C>T (NM_001309883.1).
Identifiers: ClinVar variation 3356487 (VCV003356487.1).